The following is an entry in ClinVar:

ClinVar aggregate classification (germline): Uncertain significance (1 of 4 stars; one submission).

Allele frequency attached by ClinVar (database versions not stated): TOPMed 0.00001; gnomAD 0.00002; ESP Exome Variant Server 0.00008.
gnomAD v4.1: 36 of 1,614,002 alleles (0.0022%); highest among the groups gnomAD compares: Non-Finnish European, 0.003%; no homozygotes.

Submission:

Labcorp Genetics (formerly Invitae), Labcorp
Classification: Uncertain significance. Last evaluated: 2024-10-07. Review status: criteria provided, single submitter. Criteria: Invitae Variant Classification Sherloc (09022015). Collection method: clinical testing. Allele origin: germline.
Comment: This sequence change replaces tyrosine, which is neutral and polar, with cysteine, which is neutral and slightly polar, at codon 724 of the ADGRA3 protein (p.Tyr724Cys). This variant is present in population databases (rs372587041, gnomAD 0.007%). This variant has not been reported in the literature in individuals affected with ADGRA3-related conditions. ClinVar contains an entry for this variant (Variation ID: 1970653). An algorithm developed to predict the effect of missense changes on protein structure and function outputs the following: PolyPhen-2: "Possibly Damaging". The cysteine amino acid residue is found in multiple mammalian species, which suggests that this missense change does not adversely affect protein function. In summary, the available evidence is currently insufficient to determine the role of this variant in disease. Therefore, it has been classified as a Variant of Uncertain Significance.

NM_145290.4(ADGRA3):c.2171A>G (p.Tyr724Cys)

Gene: ADGRA3 (adhesion G protein-coupled receptor A3; minus strand). Cytogenetic location: 4p15.2.
Variant type: single nucleotide variant.
Coding change: c.2171A>G on transcript NM_145290.4 (MANE Select); coding-DNA position 2171, A replaced by G.
Protein change: p.Tyr724Cys; replaces tyrosine 724 with cysteine.
Molecular consequence: missense variant.
Genome position (GRCh38, 1-based): chr4:22,413,243, T>C on the plus strand (A>G on the coding strand, the complement: ADGRA3 is on the minus strand). VCF-style: chr4-22413243-T-C. GRCh37 (hg19) VCF-style: chr4-22414866-T-C.
Other names: short protein forms Y724C.
Identifiers: ClinVar variation 1970653 (VCV001970653.5), dbSNP rs372587041, ClinGen allele CA93510737.